The following is an entry in ClinVar:

ClinVar aggregate classification (germline): Likely benign (0 of 4 stars; one submission).

Conditions:
ACACB-related disorder. Also called: ACACB-related condition.

Allele frequency attached by ClinVar (database versions not stated): TOPMed below 0.00001; gnomAD 0.00001; gnomAD exomes 0.00001.
gnomAD v4.1: 6 of 1,613,060 alleles (0.00037%); highest among the groups gnomAD compares: South Asian, 0.0033%; no homozygotes.

Submission:

PreventionGenetics, part of Exact Sciences
Classification: Likely benign for ACACB-related condition. Last evaluated: 2022-07-26. Review status: no assertion criteria provided. Collection method: clinical testing. Allele origin: germline.
Comment: This variant is classified as likely benign based on ACMG/AMP sequence variant interpretation guidelines (Richards et al. 2015 PMID: 25741868, with internal and published modifications).

NM_001093.4(ACACB):c.2088G>A (p.Ala696=)

Gene: ACACB (acetyl-CoA carboxylase beta; plus strand). Cytogenetic location: 12q24.11.
Variant type: single nucleotide variant.
Coding change: c.2088G>A on transcript NM_001093.4 (MANE Select); coding-DNA position 2088, G replaced by A.
Protein change: p.Ala696=; no amino-acid change (alanine 696 retained).
Molecular consequence: synonymous variant.
Genome position (GRCh38, 1-based): chr12:109,188,106, G>A. VCF-style: chr12-109188106-G-A. GRCh37 (hg19) VCF-style: chr12-109625911-G-A.
Other names: c.2088G>A, p.Ala696= (NM_001412734.1, NM_001412735.1); c.1482G>A, p.Ala494= (NM_001412736.1, NM_001412738.1, NM_001412739.1 and 2 more transcripts); c.1461G>A, p.Ala487= (NM_001412737.1).
Identifiers: ClinVar variation 3029023 (VCV003029023.2), dbSNP rs1166597124, ClinGen allele CA481700833.
Genomic context (GRCh38, chr12:109,188,106, plus strand): 5'-CAGCAAGAACGTGTGGGGTTACTTCAGCGTGGCCGCTACTGGAGGCCTGCACGAGTTTGC[G>A]GATTCCCAATTTGGGCACTGCTTCTCCTGGGGAGAGAACCGGGAAGAGGCCATTTCGTCA-3'
Protein context (NP_001084.3, residues 686-706): VAATGGLHEF[Ala696=]DSQFGHCFSW